The following is an entry in ClinVar:

NM_003873.7(NRP1):c.1017C>T (p.Val339=)

Gene: NRP1 (neuropilin 1; minus strand). Cytogenetic location: 10p11.22.
Variant type: single nucleotide variant.
Coding change: c.1017C>T on transcript NM_003873.7 (MANE Select); coding-DNA position 1017, C replaced by T.
Protein change: p.Val339=; no amino-acid change (valine 339 retained).
Molecular consequence: synonymous variant. On other transcripts: non-coding transcript variant (1).
Genome position (GRCh38, 1-based): chr10:33,226,254, G>A on the plus strand (C>T on the coding strand, the complement: NRP1 is on the minus strand). VCF-style: chr10-33226254-G-A. GRCh37 (hg19) VCF-style: chr10-33515182-G-A.
Other names: c.1017C>T, p.Val339= (NM_001024628.3, NM_001024629.3, NM_001244972.2 and 2 more transcripts).
Identifiers: ClinVar variation 4987964 (VCV004987964.1).

ClinVar aggregate classification (germline): Likely benign (1 of 4 stars; one submission).

Conditions:
NRP1-related disorder. Also called: NRP1-related condition.

gnomAD v4.1: 13 of 1,614,022 alleles (0.00081%); highest among the groups gnomAD compares: Admixed American, 0.0033%; no homozygotes.

Submission:

PreventionGenetics, part of Exact Sciences
Classification: Likely benign for NRP1-related condition. Last evaluated: 2024-10-06. Review status: criteria provided, single submitter. Criteria: ACMG Guidelines, 2015. Collection method: clinical testing. Allele origin: germline.
Comment: This variant is classified as likely benign based on ACMG/AMP sequence variant interpretation guidelines (Richards et al. 2015 PMID: 25741868, with internal and published modifications).